The following is an entry in ClinVar:

ClinVar aggregate classification (germline): Uncertain significance (1 of 4 stars; one submission).

Conditions:
Muscular dystrophy-dystroglycanopathy (congenital with brain and eye anomalies), type A9. Also called: WALKER-WARBURG SYNDROME OR MUSCLE-EYE BRAIN DISEASE, DAG1-RELATED; Muscular dystrophy-dystroglycanopathy (congenital with brain and eye anomalies), type a, 9. Identifiers: Orphanet 370997, Orphanet 899, MedGen C4225291, MONDO:0014683, OMIM 616538.
Autosomal recessive limb-girdle muscular dystrophy type 2P. Also called: MUSCULAR DYSTROPHY-DYSTROGLYCANOPATHY, LIMB-GIRDLE, DAG1-RELATED; MUSCULAR DYSTROPHY, LIMB-GIRDLE, TYPE 2P; Limb-Girdle Muscular Dystrophy Type 9C. Identifiers: Orphanet 280333, MedGen C4511963, MONDO:0013440, OMIM 613818.

Submission:

Labcorp Genetics (formerly Invitae), Labcorp
Classification: Uncertain significance for Autosomal recessive limb-girdle muscular dystrophy type 2P; Muscular dystrophy-dystroglycanopathy (congenital with brain and eye anomalies), type A9. Last evaluated: 2022-08-23. Review status: criteria provided, single submitter. Criteria: Invitae Variant Classification Sherloc (09022015). Collection method: clinical testing. Allele origin: germline.
Comment: In summary, the available evidence is currently insufficient to determine the role of this variant in disease. Therefore, it has been classified as a Variant of Uncertain Significance. This sequence change replaces histidine, which is basic and polar, with aspartic acid, which is acidic and polar, at codon 161 of the DAG1 protein (p.His161Asp). This variant is not present in population databases (gnomAD no frequency). This variant has not been reported in the literature in individuals affected with DAG1-related conditions. ClinVar contains an entry for this variant (Variation ID: 1046703). Algorithms developed to predict the effect of missense changes on protein structure and function are either unavailable or do not agree on the potential impact of this missense change (SIFT: "Deleterious"; PolyPhen-2: "Benign"; Align-GVGD: "Class C0").

NM_004393.6(DAG1):c.481C>G (p.His161Asp)

Gene: DAG1 (dystroglycan 1; plus strand). Cytogenetic location: 3p21.31.
Variant type: single nucleotide variant.
Coding change: c.481C>G on transcript NM_004393.6 (MANE Select); coding-DNA position 481, C replaced by G.
Protein change: p.His161Asp; replaces histidine 161 with aspartic acid.
Molecular consequence: missense variant.
Genome position (GRCh38, 1-based): chr3:49,530,992, C>G. VCF-style: chr3-49530992-C-G. GRCh37 (hg19) VCF-style: chr3-49568425-C-G.
Other names: c.481C>G, p.His161Asp (NM_001165928.4, NM_001177634.3, NM_001177635.3 and 9 more transcripts); short protein forms H161D.
Identifiers: ClinVar variation 1046703 (VCV001046703.5), dbSNP rs2051326372, ClinGen allele CA352793413.